The following is an entry in ClinVar:

ClinVar aggregate classification (germline): Pathogenic (1 of 4 stars; one submission).

Submission:

Labcorp Genetics (formerly Invitae), Labcorp
Classification: Pathogenic. Last evaluated: 2024-01-16. Review status: criteria provided, single submitter. Criteria: Invitae Variant Classification Sherloc (09022015). Collection method: clinical testing. Allele origin: germline.
Comment: This sequence change creates a premature translational stop signal (p.Ala1090Glufs*60) in the OTOF gene. It is expected to result in an absent or disrupted protein product. Loss-of-function variants in OTOF are known to be pathogenic (PMID: 18381613, 19250381, 22575033). This variant is not present in population databases (gnomAD no frequency). This variant has not been reported in the literature in individuals affected with OTOF-related conditions. For these reasons, this variant has been classified as Pathogenic.

Literature cited by the submitters: PubMed 18381613; PubMed 19250381; PubMed 22575033.

NM_194248.3(OTOF):c.3258_3268dup (p.Ala1090fs)

Gene: OTOF (otoferlin; minus strand). Cytogenetic location: 2p23.3.
Variant type: Duplication.
Coding change: c.3258_3268dup on transcript NM_194248.3 (MANE Select); coding-DNA positions 3258 to 3268, 11 bases duplicated (AGACCTGCTGG).
Protein change: p.Ala1090fs; shifts the reading frame from alanine 1090.
Molecular consequence: frameshift variant.
Genome position (GRCh38, 1-based): chr2:26,474,533-26,474,543, CCAGCAGGTCT duplicated on the plus strand (AGACCTGCTGG on the coding strand, the reverse complement: OTOF is on the minus strand); duplicating any 11 consecutive bases within chr2:26,474,533-26,474,548 gives the same sequence; the c. name uses the placement nearest the transcript's 3' end. VCF-style (leftmost placement, unchanged base first): chr2-26474532-G-GCCAGCAGGTCT. GRCh37 (hg19) VCF-style: chr2-26697400-G-GCCAGCAGGTCT.
Other names: c.3258_3268dup, p.Ala1090fs (NM_001287489.2); c.1017_1027dup, p.Ala343fs (NM_004802.4, NM_194323.3); c.1188_1198dup, p.Ala400fs (NM_194322.3); short protein forms A343fs, A1090fs, A400fs.
Identifiers: ClinVar variation 2809788 (VCV002809788.3), dbSNP rs1665161757, ClinGen allele CA1239826398.
Genomic context (GRCh38, chr2:26,474,532, plus strand): 5'-TCCAGTCCCCAGGCCTCAGCCCCTCTTCCCTGCAGTCCCACCTGCAGCAGCTCGAAGGCC[G>GCCAGCAGGTCT]CCAGCAGGTCTCCAGCTGTGGCGTTGCCACGGTAGATCTGGTAGTACTCGAGCTGAGGTG-3'